The following is an entry in ClinVar:

NM_003072.5(SMARCA4):c.2111G>A (p.Arg704Gln)

Gene: SMARCA4 (SWI/SNF related BAF chromatin remodeling complex subunit ATPase 4; plus strand). Cytogenetic location: 19p13.2.
Variant type: single nucleotide variant.
Coding change: c.2111G>A on transcript NM_003072.5 (MANE Select); coding-DNA position 2111, G replaced by A.
Protein change: p.Arg704Gln; replaces arginine 704 with glutamine.
Molecular consequence: missense variant. On other transcripts: non-coding transcript variant (1).
Genome position (GRCh38, 1-based): chr19:11,008,011, G>A. VCF-style: chr19-11008011-G-A. GRCh37 (hg19) VCF-style: chr19-11118687-G-A.
Other names: c.2111G>A, p.Arg704Gln (NM_001128844.3, NM_001128845.2, NM_001128846.2 and 5 more transcripts); short protein forms R704Q.
Identifiers: ClinVar variation 470282 (VCV000470282.14), dbSNP rs1248744047, ClinGen allele CA404052602.

ClinVar aggregate classification (germline): Uncertain significance. Review status: criteria provided, multiple submitters, no conflicts (2 of 4 stars). 2 submissions from 2 submitters: Uncertain significance (2). Last evaluated 2025-03-07.

Conditions:
Hereditary cancer-predisposing syndrome. Also called: Hereditary neoplastic syndrome; Neoplastic Syndromes, Hereditary; Tumor predisposition; Hereditary Cancer Syndrome. Identifiers: Orphanet 140162, MedGen C0027672, MeSH D009386, MONDO:0015356.
Rhabdoid tumor predisposition syndrome 2 (RTPS2). Identifiers: Orphanet 231108, Orphanet 69077, MedGen C2750074, MONDO:0013224, OMIM 613325.

Allele frequency attached by ClinVar (database versions not stated): gnomAD exomes below 0.00001.
gnomAD v4.1: 6 of 1,613,172 alleles (0.00037%); highest among the groups gnomAD compares: Non-Finnish European, 0.00051%; no homozygotes.

Submissions (2):

Labcorp Genetics (formerly Invitae), Labcorp
Classification: Uncertain significance for Rhabdoid tumor predisposition syndrome 2. Last evaluated: 2025-03-07. Review status: criteria provided, single submitter. Criteria: Invitae Variant Classification Sherloc (09022015). Collection method: clinical testing. Allele origin: germline.
Comment: This sequence change replaces arginine, which is basic and polar, with glutamine, which is neutral and polar, at codon 704 of the SMARCA4 protein (p.Arg704Gln). This variant is present in population databases (no rsID available, gnomAD 0.0009%). This variant has not been reported in the literature in individuals affected with SMARCA4-related conditions. ClinVar contains an entry for this variant (Variation ID: 470282). Invitae Evidence Modeling of protein sequence and biophysical properties (such as structural, functional, and spatial information, amino acid conservation, physicochemical variation, residue mobility, and thermodynamic stability) indicates that this missense variant is not expected to disrupt SMARCA4 protein function with a negative predictive value of 95%. In summary, the available evidence is currently insufficient to determine the role of this variant in disease. Therefore, it has been classified as a Variant of Uncertain Significance.

Ambry Genetics
Classification: Uncertain significance for Hereditary cancer-predisposing syndrome. Last evaluated: 2023-11-30. Review status: criteria provided, single submitter. Criteria: Ambry Variant Classification Scheme 2023. Collection method: clinical testing. Allele origin: germline.
Comment: The p.R704Q variant (also known as c.2111G>A), located in coding exon 13 of the SMARCA4 gene, results from a G to A substitution at nucleotide position 2111. The arginine at codon 704 is replaced by glutamine, an amino acid with highly similar properties. This amino acid position is well conserved in available vertebrate species. In addition, the in silico prediction for this alteration is inconclusive. Missense and in-frame variants in SMARCA4 are known to cause neurodevelopmental disorders; however, such associations with rhabdoid tumor predisposition syndrome including small cell carcinoma of the ovary-hypercalcemic type (SCCOHT) are exceedingly rare (Kosho T et al. Am J Med Genet C Semin Med Genet. 2014 Sep;166C(3):262-75; Jelinic P et al. Nat Genet. 2014 May;46(5):424-6). Based on the supporting evidence, the association of this alteration with Coffin-Siris syndrome is unknown; however, the association of this alteration with rhabdoid tumor predisposition syndrome is unlikely.